The following is an entry in ClinVar:

NM_007194.4(CHEK2):c.897del (p.Ile299fs)

Gene: CHEK2 (checkpoint kinase 2; minus strand). Cytogenetic location: 22q12.1.
Variant type: Deletion.
Coding change: c.897del on transcript NM_007194.4 (MANE Select); coding-DNA position 897, one base deleted (T; older notation c.897delT).
Protein change: p.Ile299fs; shifts the reading frame from isoleucine 299.
Molecular consequence: frameshift variant.
Genome position (GRCh38, 1-based): chr22:28,703,516, A deleted on the plus strand (T on the coding strand, the reverse complement: CHEK2 is on the minus strand); the first of 2 consecutive A bases (chr22:28,703,516-28,703,517); deleting either gives the same sequence. VCF-style (leftmost placement, unchanged base first): chr22-28703515-CA-C. GRCh37 (hg19) VCF-style: chr22-29099503-CA-C.
Other names: c.1025delT, p.Ile342Metfs (NM_001005735.3); c.233delT, p.Ile78Metfs (NM_001257387.3); c.695delT, p.Ile232Metfs (NM_001349956.3); c.896delT, p.Ile299Metfs (NM_145862.3); short protein forms I78fs, I299fs, I232fs, I342fs.
Identifiers: ClinVar variation 2850559 (VCV002850559.3), dbSNP rs2517885277, ClinGen allele CA2739265675.

ClinVar aggregate classification (germline): Pathogenic (1 of 4 stars; one submission).

Conditions:
Familial cancer of breast. Also called: BREAST CANCER, FAMILIAL; hereditary breast carcinoma; Hereditary breast cancer. Identifiers: Orphanet 227535, MedGen C0346153, MONDO:0016419, OMIM 114480. Disease mechanism: loss of function.

Submission:

Labcorp Genetics (formerly Invitae), Labcorp
Classification: Pathogenic for Familial cancer of breast. Last evaluated: 2023-03-29. Review status: criteria provided, single submitter. Criteria: Invitae Variant Classification Sherloc (09022015). Collection method: clinical testing. Allele origin: germline.
Comment: For these reasons, this variant has been classified as Pathogenic. This variant has not been reported in the literature in individuals affected with CHEK2-related conditions. This variant is not present in population databases (gnomAD no frequency). This sequence change creates a premature translational stop signal (p.Ile299Metfs*5) in the CHEK2 gene. It is expected to result in an absent or disrupted protein product. Loss-of-function variants in CHEK2 are known to be pathogenic (PMID: 21876083, 24713400).

Literature cited by the submitters: PubMed 21876083; PubMed 24713400.